The following is an entry in ClinVar:

ClinVar aggregate classification (germline): Uncertain significance (1 of 4 stars; one submission).

Submission:

Labcorp Genetics (formerly Invitae), Labcorp
Classification: Uncertain significance. Last evaluated: 2025-07-29. Review status: criteria provided, single submitter. Criteria: Invitae Variant Classification Sherloc (09022015). Collection method: clinical testing. Allele origin: germline.
Comment: This sequence change replaces glutamine, which is neutral and polar, with histidine, which is basic and polar, at codon 435 of the PLEKHM2 protein (p.Gln435His). This variant is not present in population databases (gnomAD no frequency). This variant has not been reported in the literature in individuals affected with PLEKHM2-related conditions. An algorithm developed to predict the effect of missense changes on protein structure and function outputs the following: PolyPhen-2: "Benign". The histidine amino acid residue is found in multiple mammalian species, which suggests that this missense change does not adversely affect protein function. In summary, the available evidence is currently insufficient to determine the role of this variant in disease. Therefore, it has been classified as a Variant of Uncertain Significance.

NM_015164.4(PLEKHM2):c.1305G>C (p.Gln435His)

Gene: PLEKHM2 (pleckstrin homology and RUN domain containing M2; plus strand). Cytogenetic location: 1p36.21.
Variant type: single nucleotide variant.
Coding change: c.1305G>C on transcript NM_015164.4 (MANE Select); coding-DNA position 1305, G replaced by C.
Protein change: p.Gln435His; replaces glutamine 435 with histidine.
Molecular consequence: missense variant.
Genome position (GRCh38, 1-based): chr1:15,727,377, G>C. VCF-style: chr1-15727377-G-C. GRCh37 (hg19) VCF-style: chr1-16053872-G-C.
Other names: c.1245G>C, p.Gln415His (NM_001410755.1); short protein forms Q415H, Q435H.
Identifiers: ClinVar variation 4812466 (VCV004812466.1).
Genomic context (GRCh38, chr1:15,727,377, plus strand): 5'-CCAGCTCAACGGGCAGCTGGACCCCAGCACCTGGTGCTCCCGTGCTGAGCCCCCAGACCA[G>C]TCCTTTCGGACCGGCTCTCCCGGGGATGCCCCGGAGAGGCCGCCGCTTTGCGACTTTAGT-3'
Protein context (NP_055979.2, residues 425-445): TWCSRAEPPD[Gln435His]SFRTGSPGDA